The following is an entry in ClinVar:

NM_020708.5(SLC12A5):c.96C>T (p.Thr32=)

Gene: SLC12A5 (solute carrier family 12 member 5; plus strand). Cytogenetic location: 20q13.12.
Variant type: single nucleotide variant.
Coding change: c.96C>T on transcript NM_020708.5 (MANE Select); coding-DNA position 96, C replaced by T.
Protein change: p.Thr32=; no amino-acid change (threonine 32 retained).
Molecular consequence: synonymous variant.
Genome position (GRCh38, 1-based): chr20:46,034,991, C>T. VCF-style: chr20-46034991-C-T. GRCh37 (hg19) VCF-style: chr20-44663630-C-T.
Other names: p.Thr32=; c.165C>T, p.Thr55= (NM_001134771.2).
Identifiers: ClinVar variation 542322 (VCV000542322.53), dbSNP rs143969641, ClinGen allele CA9886954.

ClinVar aggregate classification (germline): Benign/Likely benign. Review status: criteria provided, multiple submitters, no conflicts (2 of 4 stars). 7 submissions from 7 submitters: Benign (3); Likely benign (2). 2 of the submissions do not count toward it. Last evaluated 2026-02-03.

Conditions:
Developmental and epileptic encephalopathy, 34 (DEE34). Also called: Early infantile epileptic encephalopathy 34; SLC12A5-Related Epilepsy of Infancy with Migrating Focal Seizures. Identifiers: Orphanet 293181, MedGen C4225257, MONDO:0014718, OMIM 616645.

Allele frequency attached by ClinVar (database versions not stated): 1000 Genomes Project 0.00080; 1000 Genomes Project 30x 0.00094; TOPMed 0.00188; gnomAD 0.00211 and 0.00212; ExAC 0.00244; gnomAD exomes 0.00251; ESP Exome Variant Server 0.00269.
gnomAD v4.1: 5,114 of 1,613,968 alleles (0.32%); highest among the groups gnomAD compares: Non-Finnish European, 0.37%; 23 homozygotes.

Submissions (7):

Labcorp Genetics (formerly Invitae), Labcorp
Classification: Benign for Developmental and epileptic encephalopathy, 34. Last evaluated: 2026-02-03. Review status: criteria provided, single submitter. Criteria: Invitae Variant Classification Sherloc (09022015). Collection method: clinical testing. Allele origin: germline.

CeGaT Center for Human Genetics Tuebingen
Classification: Likely benign. Last evaluated: 2026-02-01. Review status: criteria provided, single submitter. Criteria: CeGaT Center For Human Genetics Tuebingen Variant Classification Criteria Version 2. Collection method: clinical testing. Allele origin: germline. Affected: yes. Observed: 15 variant alleles.
Comment: SLC12A5: BP4, BP7, BS2

Mayo Clinic Laboratories, Mayo Clinic
Classification: Benign. Last evaluated: 2025-05-08. Review status: criteria provided, single submitter. Criteria: ACMG Guidelines, 2015. Collection method: clinical testing. Allele origin: germline. Observed: 1 variant allele.
Comment: BS1, BS2, BP4, BP7

Blueprint Genetics
Classification: Likely benign. Last evaluated: 2024-11-27. Review status: criteria provided, single submitter. Criteria: ACMG Guidelines, 2015. Collection method: clinical testing. Allele origin: germline.

ARUP Laboratories, Molecular Genetics and Genomics, ARUP Laboratories
Classification: Benign. Last evaluated: 2024-05-23. Review status: criteria provided, single submitter. Criteria: ARUP Molecular Germline Variant Investigation Process 2024. Collection method: clinical testing. Allele origin: germline.

Clinical Genetics DNA and cytogenetics Diagnostics Lab, Erasmus MC, Erasmus Medical Center
Classification: Likely benign. Review status: no assertion criteria provided. Collection method: clinical testing. Allele origin: germline. Affected: yes. Study: VKGL Data-share Consensus. Not counted in ClinVar's aggregate classification.

Genome Diagnostics Laboratory, University Medical Center Utrecht
Classification: Likely benign. Review status: no assertion criteria provided. Collection method: clinical testing. Allele origin: germline. Affected: yes. Study: VKGL Data-share Consensus. Not counted in ClinVar's aggregate classification.